The following is an entry in ClinVar:

ClinVar aggregate classification (germline): Uncertain significance (1 of 4 stars; one submission).

Conditions:
Cardiovascular phenotype. Identifiers: MedGen CN230736.

gnomAD v4.1: 5 of 1,612,582 alleles (0.00031%); highest among the groups gnomAD compares: Non-Finnish European, 0.00042%; no homozygotes.

Submission:

Ambry Genetics
Classification: Uncertain significance for Cardiovascular phenotype. Last evaluated: 2024-07-11. Review status: criteria provided, single submitter. Criteria: Ambry Variant Classification Scheme 2023. Collection method: clinical testing. Allele origin: germline.
Comment: The p.R115S variant (also known as c.345G>C) is located in coding exon 4 of the LDLRAP1 gene. The arginine at codon 115 is replaced by serine, an amino acid with dissimilar properties. This change occurs in the first base pair of coding exon 4. This amino acid position is conserved. In addition, this alteration is predicted to be deleterious by in silico analysis. Based on the available evidence, the clinical significance of this variant remains unclear.

NM_015627.3(LDLRAP1):c.345G>C (p.Arg115Ser)

Gene: LDLRAP1 (low density lipoprotein receptor adaptor protein 1; plus strand). Cytogenetic location: 1p36.11.
Variant type: single nucleotide variant.
Coding change: c.345G>C on transcript NM_015627.3 (MANE Select); coding-DNA position 345, G replaced by C.
Protein change: p.Arg115Ser; replaces arginine 115 with serine.
Molecular consequence: missense variant.
Genome position (GRCh38, 1-based): chr1:25,557,153, G>C. VCF-style: chr1-25557153-G-C. GRCh37 (hg19) VCF-style: chr1-25883644-G-C.
Other names: short protein forms R115S.
Identifiers: ClinVar variation 3537763 (VCV003537763.1).
Genomic context (GRCh38, chr1:25,557,153, plus strand): 5'-TTCCCACATGTGCTCAGGCCCCTGTGCCAGGTCTGGTGATGCTTCCTCCTTGCCTTTCAG[G>C]ATCTCCTATTGCACAGCAGACAAGATGCACGACAAGGTGTTTGCATACATCGCCCAGAGC-3'
Protein context (NP_056442.2, residues 105-125): NQLIENVSIY[Arg115Ser]ISYCTADKMH